The following is an entry in ClinVar:

NM_153676.4(USH1C):c.241C>T (p.Arg81Cys)

Gene: USH1C (USH1 protein network component harmonin; minus strand). Cytogenetic location: 11p15.1.
Variant type: single nucleotide variant.
Coding change: c.241C>T on transcript NM_153676.4 (MANE Select); coding-DNA position 241, C replaced by T.
Protein change: p.Arg81Cys; replaces arginine 81 with cysteine.
Molecular consequence: missense variant. On other transcripts: non-coding transcript variant (1).
Genome position (GRCh38, 1-based): chr11:17,531,406, G>A on the plus strand (C>T on the coding strand, the complement: USH1C is on the minus strand). VCF-style: chr11-17531406-G-A. GRCh37 (hg19) VCF-style: chr11-17552953-G-A.
Other names: c.241C>T, p.Arg81Cys (NM_001297764.2, NM_005709.4); short protein forms R81C.
Identifiers: ClinVar variation 229604 (VCV000229604.10), dbSNP rs876658111, ClinGen allele CA10576848.

ClinVar aggregate classification (germline): Uncertain significance. Review status: criteria provided, multiple submitters, no conflicts (2 of 4 stars). 5 submissions from 5 submitters: Uncertain significance (3). 2 of the submissions do not count toward it. Last evaluated 2024-07-05.

Conditions:
Autosomal recessive nonsyndromic hearing loss 18A. Also called: DEAFNESS, AUTOSOMAL RECESSIVE 18; Deafness, autosomal recessive 18A. Identifiers: Orphanet 90636, MedGen C1865870, MONDO:0011192, OMIM 602092.
Usher syndrome type 1C. Also called: USHER SYNDROME, TYPE I, ACADIAN VARIETY. Identifiers: Orphanet 231169, Orphanet 886, MedGen C1848604, MONDO:0010171, OMIM 276904.

Allele frequency attached by ClinVar (database versions not stated): gnomAD exomes 0.00002; gnomAD 0.00003 and 0.00004; TOPMed 0.00003.
gnomAD v4.1: 36 of 1,613,678 alleles (0.0022%); highest among the groups gnomAD compares: Non-Finnish European, 0.0028%; no homozygotes.

Submissions (5):

Blueprint Genetics
Classification: Uncertain significance. Last evaluated: 2024-07-05. Review status: criteria provided, single submitter. Criteria: ACMG Guidelines, 2015. Collection method: clinical testing. Allele origin: germline.

Labcorp Genetics (formerly Invitae), Labcorp
Classification: Uncertain significance. Last evaluated: 2021-08-26. Review status: criteria provided, single submitter. Criteria: Invitae Variant Classification Sherloc (09022015). Collection method: clinical testing. Allele origin: germline.
Comment: This sequence change replaces arginine with cysteine at codon 81 of the USH1C protein (p.Arg81Cys). The arginine residue is highly conserved and there is a large physicochemical difference between arginine and cysteine. This variant is not present in population databases (ExAC no frequency). This variant has not been reported in the literature in individuals affected with USH1C-related conditions. ClinVar contains an entry for this variant (Variation ID: 229604). Algorithms developed to predict the effect of missense changes on protein structure and function (SIFT, PolyPhen-2, Align-GVGD) all suggest that this variant is likely to be disruptive. Algorithms developed to predict the effect of sequence changes on RNA splicing suggest that this variant may create or strengthen a splice site. In summary, the available evidence is currently insufficient to determine the role of this variant in disease. Therefore, it has been classified as a Variant of Uncertain Significance.

Laboratory for Molecular Medicine, Mass General Brigham Personalized Medicine
Classification: Uncertain significance. Last evaluated: 2015-08-11. Review status: criteria provided, single submitter. Criteria: LMM Criteria. Collection method: clinical testing. Allele origin: germline. Observed: 1 variant allele.
Comment: The p.Arg81Cys variant in USH1C has not been previously reported in individuals with hearing loss or Usher syndrome and was absent from large population studies . Computational prediction tools and conservation analysis suggest that the p.Ar g81Cys variant may impact the protein, though this information is not predictive enough to determine pathogenicity. In summary, the clinical significance of the p.Arg81Cys variant is uncertain.

Natera, Inc.
Classification: Uncertain significance for Usher syndrome type 1C. Last evaluated: 2020-04-11. Review status: no assertion criteria provided. Collection method: clinical testing. Allele origin: germline. Not counted in ClinVar's aggregate classification.

Counsyl
Classification: Uncertain significance for Usher syndrome type 1C; Autosomal recessive nonsyndromic hearing loss 18A. Last evaluated: 2017-10-12. Review status: no assertion criteria provided. Collection method: clinical testing. Allele origin: unknown. Not counted in ClinVar's aggregate classification.